The following is an entry in ClinVar:

NM_001853.4(COL9A3):c.443G>A (p.Gly148Asp)

Gene: COL9A3 (collagen type IX alpha 3 chain; plus strand). Cytogenetic location: 20q13.33.
Variant type: single nucleotide variant.
Coding change: c.443G>A on transcript NM_001853.4 (MANE Select); coding-DNA position 443, G replaced by A.
Protein change: p.Gly148Asp; replaces glycine 148 with aspartic acid.
Molecular consequence: missense variant.
Genome position (GRCh38, 1-based): chr20:62,822,130, G>A. VCF-style: chr20-62822130-G-A. GRCh37 (hg19) VCF-style: chr20-61453482-G-A.
Other names: short protein forms G148D.
Identifiers: ClinVar variation 3606296 (VCV003606296.2).
Genomic context (GRCh38, chr20:62,822,130, plus strand): 5'-GGGGCTGGTCCCACTCTGTCTAAGTCATACCCCCTCCCCAGGGACCTTCTGGACTCCCCG[G>A]CCTCCCTGGTCCCCCAGGACCTCCCGGACCCCCTGTAAGTACTGGGCAGAGGCTCTAAGA-3'
Protein context (NP_001844.3, residues 138-158): RGPPGPSGLP[Gly148Asp]LPGPPGPPGP

ClinVar aggregate classification (germline): Uncertain significance (1 of 4 stars; one submission).

gnomAD v4.1: 2 of 1,587,648 alleles (0.00013%); highest among the groups gnomAD compares: Non-Finnish European, 0.00017%; no homozygotes.

Submission:

Labcorp Genetics (formerly Invitae), Labcorp
Classification: Uncertain significance. Last evaluated: 2025-09-11. Review status: criteria provided, single submitter. Criteria: Invitae Variant Classification Sherloc (09022015). Collection method: clinical testing. Allele origin: germline.
Comment: This sequence change replaces glycine, which is neutral and non-polar, with aspartic acid, which is acidic and polar, at codon 148 of the COL9A3 protein (p.Gly148Asp). This variant is present in population databases (no rsID available, gnomAD 0.007%). This variant has not been reported in the literature in individuals affected with COL9A3-related conditions. ClinVar contains an entry for this variant (Variation ID: 3606296). Invitae Evidence Modeling of protein sequence and biophysical properties (such as structural, functional, and spatial information, amino acid conservation, physicochemical variation, residue mobility, and thermodynamic stability) indicates that this missense variant is expected to disrupt COL9A3 protein function with a positive predictive value of 95%. In summary, the available evidence is currently insufficient to determine the role of this variant in disease. Therefore, it has been classified as a Variant of Uncertain Significance.